The following is an entry in ClinVar:

ClinVar aggregate classification (germline): Uncertain significance (1 of 4 stars; one submission).

Conditions:
Glycogen storage disease, type II (IOPD). Also called: Glucosidase acid-1,4-alpha deficiency; Pompe Disease; Glycogen storage disease type 2; Acid maltase deficiency disease; Aglucosidase alfa; Deficiency of alpha-glucosidase. Identifiers: Orphanet 365, MedGen C0017921, MONDO:0009290, OMIM 232300.

Submission:

Labcorp Genetics (formerly Invitae), Labcorp
Classification: Uncertain significance for Glycogen storage disease, type II. Last evaluated: 2022-01-02. Review status: criteria provided, single submitter. Criteria: Invitae Variant Classification Sherloc (09022015). Collection method: clinical testing. Allele origin: germline.
Comment: This sequence change falls in intron 1 of the GAA gene. It does not directly change the encoded amino acid sequence of the GAA protein. It affects a nucleotide within the consensus splice site. This variant is not present in population databases (gnomAD no frequency). This variant has not been reported in the literature in individuals affected with GAA-related conditions. Variants that disrupt the consensus splice site are a relatively common cause of aberrant splicing (PMID: 17576681, 9536098). Algorithms developed to predict the effect of sequence changes on RNA splicing suggest that this variant may disrupt the consensus splice site. In summary, the available evidence is currently insufficient to determine the role of this variant in disease. Therefore, it has been classified as a Variant of Uncertain Significance.

Literature cited by the submitters: PubMed 17576681; PubMed 9536098.

NM_000152.5(GAA):c.-32-3del

Gene: GAA (alpha glucosidase; plus strand). Cytogenetic location: 17q25.3.
Variant type: Deletion.
Coding change: c.-32-3del on transcript NM_000152.5 (MANE Select); 3 bases into the intron before 32 bases upstream of the start codon, one base deleted (C; older notation c.-32-3delC).
Molecular consequence: intron variant.
Genome position (GRCh38, 1-based): chr17:80,104,552, C deleted. VCF-style (leftmost placement, unchanged base first): chr17-80104551-GC-G. GRCh37 (hg19) VCF-style: chr17-78078350-GC-G.
Other names: c.-32-3del (NM_001079803.3, NM_001079804.3).
Identifiers: ClinVar variation 2070234 (VCV002070234.1), dbSNP rs2510343759, ClinGen allele CA2580095265.